The following is an entry in ClinVar:

NM_001100913.3(PACS2):c.1499C>T (p.Thr500Ile)

Gene: PACS2 (phosphofurin acidic cluster sorting protein 2; plus strand). Cytogenetic location: 14q32.33.
Variant type: single nucleotide variant.
Coding change: c.1499C>T on transcript NM_001100913.3 (MANE Select); coding-DNA position 1499, C replaced by T.
Protein change: p.Thr500Ile; replaces threonine 500 with isoleucine.
Molecular consequence: missense variant.
Genome position (GRCh38, 1-based): chr14:105,382,562, C>T. VCF-style: chr14-105382562-C-T. GRCh37 (hg19) VCF-style: chr14-105848899-C-T.
Other names: c.1262C>T, p.Thr421Ile (NM_001243127.3); c.1487C>T, p.Thr496Ile (NM_015197.4); short protein forms T421I, T496I, T500I.
Identifiers: ClinVar variation 1903435 (VCV001903435.5), dbSNP rs782287853, ClinGen allele CA7388834.
Genomic context (GRCh38, chr14:105,382,562, plus strand): 5'-AGCTCAACCACATCCTCATCTCCGATGACCAGCTTCCCGAAAACATCATCCTTGTCAACA[C>T]CTCGGACTGGCAGGGGCAGGTAGAGGGGCAGTCTCTTGGAGTGGAGGGTCAGGGTGTAGG-3'
Protein context (NP_001094383.2, residues 490-510): QLPENIILVN[Thr500Ile]SDWQGQFLSD

ClinVar aggregate classification (germline): Uncertain significance (1 of 4 stars; one submission).

Allele frequency attached by ClinVar (database versions not stated): gnomAD exomes below 0.00001; TOPMed below 0.00001; ExAC 0.00001; gnomAD 0.00001.
gnomAD v4.1: 7 of 1,609,042 alleles (0.00044%); highest among the groups gnomAD compares: African/African-American, 0.004%; no homozygotes.

Submission:

Labcorp Genetics (formerly Invitae), Labcorp
Classification: Uncertain significance. Last evaluated: 2023-07-07. Review status: criteria provided, single submitter. Criteria: Invitae Variant Classification Sherloc (09022015). Collection method: clinical testing. Allele origin: germline.
Comment: This variant has not been reported in the literature in individuals affected with PACS2-related conditions. This sequence change replaces threonine, which is neutral and polar, with isoleucine, which is neutral and non-polar, at codon 500 of the PACS2 protein (p.Thr500Ile). This variant is present in population databases (rs782287853, gnomAD 0.007%). ClinVar contains an entry for this variant (Variation ID: 1903435). Advanced modeling of protein sequence and biophysical properties (such as structural, functional, and spatial information, amino acid conservation, physicochemical variation, residue mobility, and thermodynamic stability) has been performed at Invitae for this missense variant, however the output from this modeling did not meet the statistical confidence thresholds required to predict the impact of this variant on PACS2 protein function. In summary, the available evidence is currently insufficient to determine the role of this variant in disease. Therefore, it has been classified as a Variant of Uncertain Significance.